The following is an entry in ClinVar:

NM_133459.4(CCBE1):c.775G>A (p.Gly259Ser)

Gene: CCBE1 (collagen and calcium binding EGF domains 1; minus strand). Cytogenetic location: 18q21.32.
Variant type: single nucleotide variant.
Coding change: c.775G>A on transcript NM_133459.4 (MANE Select); coding-DNA position 775, G replaced by A.
Protein change: p.Gly259Ser; replaces glycine 259 with serine.
Molecular consequence: missense variant.
Genome position (GRCh38, 1-based): chr18:59,447,983, C>T on the plus strand (G>A on the coding strand, the complement: CCBE1 is on the minus strand). VCF-style: chr18-59447983-C-T. GRCh37 (hg19) VCF-style: chr18-57115215-C-T.
Other names: short protein forms G259S.
Identifiers: ClinVar variation 1804382 (VCV001804382.1), dbSNP rs770468372, ClinGen allele CA8980349.

ClinVar aggregate classification (germline): Uncertain significance (1 of 4 stars; one submission).

Allele frequency attached by ClinVar (database versions not stated): gnomAD 0.00001; gnomAD exomes 0.00001; TOPMed 0.00001; ExAC 0.00002.
gnomAD v4.1: 12 of 1,614,000 alleles (0.00074%); highest among the groups gnomAD compares: South Asian, 0.0022%; no homozygotes.

Submission:

GeneDx
Classification: Uncertain significance. Last evaluated: 2022-06-15. Review status: criteria provided, single submitter. Criteria: GeneDx Variant Classification Process June 2021. Collection method: clinical testing. Allele origin: germline. Affected: yes.
Comment: In silico analysis supports that this missense variant has a deleterious effect on protein structure/function; In addition, in silico splice predictors suggest this variant may lead to abnormal gene splicing; Has not been previously published as pathogenic or benign to our knowledge